The following is an entry in ClinVar:

NM_139137.4(KCNC2):c.486C>A (p.Ala162=)

Gene: KCNC2 (potassium voltage-gated channel subfamily C member 2; minus strand). Cytogenetic location: 12q21.1.
Variant type: single nucleotide variant.
Coding change: c.486C>A on transcript NM_139137.4 (MANE Select); coding-DNA position 486, C replaced by A.
Protein change: p.Ala162=; no amino-acid change (alanine 162 retained).
Molecular consequence: synonymous variant. On other transcripts: non-coding transcript variant (2).
Genome position (GRCh38, 1-based): chr12:75,207,498, G>T on the plus strand (C>A on the coding strand, the complement: KCNC2 is on the minus strand). VCF-style: chr12-75207498-G-T. GRCh37 (hg19) VCF-style: chr12-75601278-G-T.
Other names: c.486C>A, p.Ala162= (NM_001260497.2, NM_001260498.2, NM_001260499.2 and 13 more transcripts).
Identifiers: ClinVar variation 4979833 (VCV004979833.1).

ClinVar aggregate classification (germline): Likely benign (1 of 4 stars; one submission).

Conditions:
KCNC2-related disorder.

gnomAD v4.1: 512 of 1,612,458 alleles (0.032%); highest among the groups gnomAD compares: South Asian, 0.55%; 13 homozygotes.

Submission:

PreventionGenetics, part of Exact Sciences
Classification: Likely benign for KCNC2-related condition. Last evaluated: 2026-07-01. Review status: criteria provided, single submitter. Criteria: ACMG Guidelines, 2015. Collection method: clinical testing. Allele origin: germline.
Comment: This variant is classified as likely benign based on ACMG/AMP sequence variant interpretation guidelines (Richards et al. 2015 PMID: 25741868, with internal and published modifications).